The following is an entry in ClinVar:

ClinVar aggregate classification (germline): Likely benign (1 of 4 stars; one submission).

Conditions:
PLEKHG5-related disorder. Also called: PLEKHG5-related condition.

Submission:

PreventionGenetics, part of Exact Sciences
Classification: Likely benign for PLEKHG5-related condition. Last evaluated: 2025-09-22. Review status: criteria provided, single submitter. Criteria: ACMG Guidelines, 2015. Collection method: clinical testing. Allele origin: germline.
Comment: This variant is classified as likely benign based on ACMG/AMP sequence variant interpretation guidelines (Richards et al. 2015 PMID: 25741868, with internal and published modifications).

NM_020631.6(PLEKHG5):c.796-8C>G

Gene: PLEKHG5 (pleckstrin homology and RhoGEF domain containing G5; minus strand). Cytogenetic location: 1p36.31.
Variant type: single nucleotide variant.
Coding change: c.796-8C>G on transcript NM_020631.6 (MANE Select); 8 bases into the intron before coding-DNA position 796, C replaced by G.
Molecular consequence: intron variant.
Genome position (GRCh38, 1-based): chr1:6,473,182, G>C on the plus strand (C>G on the coding strand, the complement: PLEKHG5 is on the minus strand). VCF-style: chr1-6473182-G-C. GRCh37 (hg19) VCF-style: chr1-6533242-G-C.
Other names: c.796-8C>G (NM_198681.4, NM_001265594.3, NM_001042664.2 and 1 more transcripts); c.907-8C>G (NM_001042663.3, NM_001265592.2); c.1003-8C>G (NM_001265593.2).
Identifiers: ClinVar variation 4993671 (VCV004993671.1).